The following is an entry in ClinVar:

ClinVar aggregate classification (germline): Uncertain significance (1 of 4 stars; one submission).

Conditions:
Retinitis pigmentosa 12 (RP12). Also called: RP WITH OR WITHOUT PRESERVED PARAARTERIOLE RETINAL PIGMENT EPITHELIUM; RETINITIS PIGMENTOSA WITH OR WITHOUT PARAARTERIOLAR PRESERVATION OF RETINAL PIGMENT EPITHELIUM; RP WITH OR WITHOUT PPRPE. Identifiers: Orphanet 791, MedGen C1838647, MONDO:0010818, OMIM 600105.
Leber congenital amaurosis 8 (LCA8). Identifiers: Orphanet 65, MedGen C3151202, MONDO:0013453, OMIM 613835.

Allele frequency attached by ClinVar (database versions not stated): TOPMed below 0.00001; gnomAD 0.00001.
gnomAD v4.1: 4 of 1,614,046 alleles (0.00025%); highest among the groups gnomAD compares: Non-Finnish European, 0.00025%; no homozygotes.

Submission:

Labcorp Genetics (formerly Invitae), Labcorp
Classification: Uncertain significance for Leber congenital amaurosis 8; Retinitis pigmentosa 12. Last evaluated: 2022-03-24. Review status: criteria provided, single submitter. Criteria: Invitae Variant Classification Sherloc (09022015). Collection method: clinical testing. Allele origin: germline.
Comment: In summary, the available evidence is currently insufficient to determine the role of this variant in disease. Therefore, it has been classified as a Variant of Uncertain Significance. This sequence change replaces leucine, which is neutral and non-polar, with valine, which is neutral and non-polar, at codon 627 of the CRB1 protein (p.Leu627Val). This variant is present in population databases (no rsID available, gnomAD 0.002%). This variant has not been reported in the literature in individuals affected with CRB1-related conditions. Advanced modeling of protein sequence and biophysical properties (such as structural, functional, and spatial information, amino acid conservation, physicochemical variation, residue mobility, and thermodynamic stability) performed at Invitae indicates that this missense variant is not expected to disrupt CRB1 protein function.

NM_201253.3(CRB1):c.1879C>G (p.Leu627Val)

Gene: CRB1 (crumbs cell polarity complex component 1; plus strand). Cytogenetic location: 1q31.3.
Variant type: single nucleotide variant.
Coding change: c.1879C>G on transcript NM_201253.3 (MANE Select); coding-DNA position 1879, C replaced by G.
Protein change: p.Leu627Val; replaces leucine 627 with valine.
Molecular consequence: missense variant. On other transcripts: non-coding transcript variant (1).
Genome position (GRCh38, 1-based): chr1:197,421,707, C>G. VCF-style: chr1-197421707-C-G. GRCh37 (hg19) VCF-style: chr1-197390837-C-G.
Other names: c.1543C>G, p.Leu515Val (NM_001193640.2); c.1672C>G, p.Leu558Val (NM_001257965.2); c.1879C>G, p.Leu627Val (NM_001257966.2); short protein forms L515V, L558V, L627V.
Identifiers: ClinVar variation 1989581 (VCV001989581.4), dbSNP rs1280443561, ClinGen allele CA344032814.